The following is an entry in ClinVar:

NM_000051.4(ATM):c.28A>G (p.Ile10Val)

Gene: ATM (ATM serine/threonine kinase; plus strand). Cytogenetic location: 11q22.3.
Variant type: single nucleotide variant.
Coding change: c.28A>G on transcript NM_000051.4 (MANE Select); coding-DNA position 28, A replaced by G.
Protein change: p.Ile10Val; replaces isoleucine 10 with valine.
Molecular consequence: missense variant.
Genome position (GRCh38, 1-based): chr11:108,227,652, A>G. VCF-style: chr11-108227652-A-G. GRCh37 (hg19) VCF-style: chr11-108098379-A-G.
Other names: c.28A>G, p.Ile10Val (NM_001351834.2, NM_001351835.2, NM_001351836.2); short protein forms I10V.
Identifiers: ClinVar variation 233834 (VCV000233834.6), dbSNP rs876660671, ClinGen allele CA10578939.

ClinVar aggregate classification (germline): Uncertain significance. Review status: criteria provided, multiple submitters, no conflicts (2 of 4 stars). 2 submissions from 2 submitters: Uncertain significance (2). Last evaluated 2025-12-29.

Conditions:
Hereditary cancer-predisposing syndrome. Also called: Neoplastic Syndromes, Hereditary; Tumor predisposition; Hereditary Cancer Syndrome; Hereditary neoplastic syndrome. Identifiers: Orphanet 140162, MedGen C0027672, MeSH D009386, MONDO:0015356.

Submissions (2):

Center for Genomic Medicine, Rigshospitalet, Copenhagen University Hospital
Classification: Uncertain significance. Last evaluated: 2025-12-29. Review status: criteria provided, single submitter. Criteria: ACMG Guidelines, 2015. Collection method: clinical testing. Allele origin: germline.
Comment: Classification criteria: BP4_sup, PM2_sup

Ambry Genetics
Classification: Uncertain significance for Hereditary cancer-predisposing syndrome. Last evaluated: 2015-08-26. Review status: criteria provided, single submitter. Criteria: Ambry Variant Classification Scheme 2023. Collection method: clinical testing. Allele origin: germline.
Comment: The p.I10V variant (also known as c.28A>G), located in coding exon 1 of the ATM gene, results from an A to G substitution at nucleotide position 28. The isoleucine at codon 10 is replaced by valine, an amino acid with highly similar properties. This variant was not reported in population based cohorts in the following databases: Database of Single Nucleotide Polymorphisms (dbSNP), NHLBI Exome Sequencing Project (ESP), and 1000 Genomes Project. In the ESP, this variant was not observed in 6498 samples (12996 alleles) with coverage at this position. To date, this alteration has been detected with an allele frequency of approximately 0.002% (greater than 66000 alleles tested) in our clinical cohort. This amino acid position is not well conserved in available vertebrate species. In addition, this alteration is predicted to be tolerated by in silico analysis. Since supporting evidence is limited at this time, the clinical significance of p.I10V remains unclear.